The following is an entry in ClinVar:

NM_000260.4(MYO7A):c.4577G>A (p.Arg1526His)

Gene: MYO7A (myosin VIIA; plus strand). Cytogenetic location: 11q13.5.
Variant type: single nucleotide variant.
Coding change: c.4577G>A on transcript NM_000260.4 (MANE Select); coding-DNA position 4577, G replaced by A.
Protein change: p.Arg1526His; replaces arginine 1526 with histidine.
Molecular consequence: missense variant. On other transcripts: intron variant (2).
Genome position (GRCh38, 1-based): chr11:77,199,543, G>A. VCF-style: chr11-77199543-G-A. GRCh37 (hg19) VCF-style: chr11-76910588-G-A.
Other names: c.4536-106G>A (NM_001369365.1); c.4569-106G>A (NM_001127180.2); short protein forms R1526H.
Identifiers: ClinVar variation 43247 (VCV000043247.14), dbSNP rs397516311, ClinGen allele CA132333.
Genomic context (GRCh38, chr11:77,199,543, plus strand): 5'-GTCTCCCACTGGTTGGGGCATGACTGACTCAACTGGCCTTGATCTCCTTCAGGGAGTGCC[G>A]TGTCTGGCTCTCACTGGGCTGCTCTGATCTTGGCTGTGCTGCGCCTCACTCAGGCTGGGC-3'
Protein context (NP_000251.3, residues 1516-1536): IMAVSSSREC[Arg1526His]VWLSLGCSDL

ClinVar aggregate classification (germline): Conflicting classifications of pathogenicity. Review status: criteria provided, conflicting classifications (1 of 4 stars). 7 submissions from 5 submitters: Uncertain significance (5); Likely benign (1). 1 of the submissions does not count toward it. Last evaluated 2025-03-24.

Conditions:
Usher syndrome type 1 (USH1). Also called: RETINITIS PIGMENTOSA AND CONGENITAL DEAFNESS. Identifiers: Orphanet 231169, Orphanet 886, MedGen C1568247, MONDO:0010168, OMIM 276900.
Usher syndrome type 1B (USH1B). Also called: Usher syndrome type IB. Identifiers: MedGen C1848638, MONDO:0700087.
Autosomal dominant nonsyndromic hearing loss 11. Identifiers: Orphanet 90635, MedGen C1832475, MONDO:0011032, OMIM 601317.
Autosomal recessive nonsyndromic hearing loss 2. Also called: DEAFNESS, AUTOSOMAL RECESSIVE 2; NEUROSENSORY NONSYNDROMIC RECESSIVE DEAFNESS 2. Identifiers: Orphanet 90636, MedGen C1838701, MONDO:0010807, OMIM 600060.

Allele frequency attached by ClinVar (database versions not stated): gnomAD 0.00002 and 0.00004; gnomAD exomes 0.00003 and 0.00004; ExAC 0.00043; 1000 Genomes Project 30x 0.00031; 1000 Genomes Project 0.00040.

Submissions (7):

GeneDx
Classification: Uncertain significance. Last evaluated: 2025-03-24. Review status: criteria provided, single submitter. Criteria: GeneDx Variant Classification Process June 2021. Collection method: clinical testing. Allele origin: germline.
Comment: In silico analysis indicates that this missense variant does not alter protein structure/function; Has not been previously published as pathogenic or benign to our knowledge

Labcorp Genetics (formerly Invitae), Labcorp
Classification: Uncertain significance. Last evaluated: 2024-11-27. Review status: criteria provided, single submitter. Criteria: Invitae Variant Classification Sherloc (09022015). Collection method: clinical testing. Allele origin: germline.
Comment: This sequence change replaces arginine, which is basic and polar, with histidine, which is basic and polar, at codon 1526 of the MYO7A protein (p.Arg1526His). This variant is present in population databases (rs397516311, gnomAD 0.03%). This variant has not been reported in the literature in individuals affected with MYO7A-related conditions. ClinVar contains an entry for this variant (Variation ID: 43247). Invitae Evidence Modeling of protein sequence and biophysical properties (such as structural, functional, and spatial information, amino acid conservation, physicochemical variation, residue mobility, and thermodynamic stability) indicates that this missense variant is not expected to disrupt MYO7A protein function with a negative predictive value of 95%. In summary, the available evidence is currently insufficient to determine the role of this variant in disease. Therefore, it has been classified as a Variant of Uncertain Significance.

Illumina Laboratory Services, Illumina
Classification: Likely benign for Autosomal dominant nonsyndromic hearing loss 11. Last evaluated: 2018-01-13. Review status: criteria provided, single submitter. Criteria: ICSL Variant Classification Criteria 13 December 2019. Collection method: clinical testing. Allele origin: germline.
Comment: This variant was observed in the ICSL laboratory as part of a predisposition screen in an ostensibly healthy population. It had not been previously curated by ICSL or reported in the Human Gene Mutation Database (HGMD: prior to June 1st, 2018), and was therefore a candidate for classification through an automated scoring system. Utilizing variant allele frequency, disease prevalence and penetrance estimates, and inheritance mode, an automated score was calculated to assess if this variant is too frequent to cause the disease. Based on the score and internal cut-off values, a variant classified as likely benign is not then subjected to further curation. The score for this variant resulted in a classification of likely benign for this disease.

Illumina Laboratory Services, Illumina
Classification: Uncertain significance for Usher syndrome type 1. Last evaluated: 2018-01-13. Review status: criteria provided, single submitter. Criteria: ICSL Variant Classification Criteria 13 December 2019. Collection method: clinical testing. Allele origin: germline.

Illumina Laboratory Services, Illumina
Classification: Uncertain significance for Autosomal recessive nonsyndromic hearing loss 2. Last evaluated: 2018-01-13. Review status: criteria provided, single submitter. Criteria: ICSL Variant Classification Criteria 13 December 2019. Collection method: clinical testing. Allele origin: germline.

Laboratory for Molecular Medicine, Mass General Brigham Personalized Medicine
Classification: Uncertain significance. Last evaluated: 2012-08-14. Review status: criteria provided, single submitter. Criteria: LMM Criteria. Collection method: clinical testing. Allele origin: germline. Observed: 1 variant allele.
Comment: Variant classified as Uncertain Significance - Favor Benign. The Arg1526His vari ant in MYO7A has not been reported in the literature nor previously identified b y our laboratory. Computational analyses (biochemical amino acid properties, con servation, AlignGVGD, and PolyPhen2) do not provide strong support for an impact to the protein; however, this information does not rule out pathogenicity. In s ummary, the clinical significance of this variant cannot be determined with cert ainty; however, we would lean towards a more likely benign role given the comput ation data.

Natera, Inc.
Classification: Uncertain significance for Usher syndrome type 1B. Last evaluated: 2019-11-11. Review status: no assertion criteria provided. Collection method: clinical testing. Allele origin: germline. Not counted in ClinVar's aggregate classification.